The following is an entry in ClinVar:

ClinVar aggregate classification (germline): Likely pathogenic. Review status: reviewed by expert panel (3 of 4 stars). 10 submissions from 9 submitters: Likely pathogenic (1). 9 of the submissions do not count toward it. Last evaluated 2023-07-23.

Conditions:
Phenylketonuria (PKU). Also called: Phenylketonuria (PKU); FOLLING DISEASE; OLIGOPHRENIA PHENYLPYRUVICA; Phenylketonurias. Identifiers: Orphanet 716, MedGen C0031485, MONDO:0009861, OMIM 261600. Disease mechanism: loss of function.

Submissions (10):

ClinGen PAH Variant Curation Expert Panel
Classification: Likely pathogenic for Phenylketonuria. Last evaluated: 2023-07-23. Review status: reviewed by expert panel. Criteria: ClinGen PAH ACMG Specifications v1. Collection method: curation. Allele origin: germline. Inheritance: Autosomal recessive inheritance.
Comment: The NM_000277.3:c.125AAG[2] variant in PAH is predicted to cause a change in the length of the protein due to an in-frame deletion of 1 amino acid in a non-repeat region (p.Glu44del) (PM4). This variant has been detected in at least 3 unrelated individuals with PAH deficiency (PMID: 28982351, PMID: 26600521, PMID: 9012412). Of these individuals, one was a compound heterozygote for the variant and a pathogenic variant, p.Arg408Trp, in trans (phase confirmed by parental testing) (PMID: 26600521), and one was a compound heterozygote for the variant and a likely pathogenic variant, p.Met276Arg, in trans (phase confirmed by parental testing) (PMID: 28982351) (2pts total, PM3_Strong). These two individuals had plasma phenylalanine >120 μmol/L and exclusion of a defect of BH4 cofactor metabolism (PMID: 28982351, PMID: 26600521). These two individuals had plasma phenylalanine >120 μmol/L and exclusion of a defect of BH4 cofactor metabolism (PMID: 28982351, PMID: 26600521). The highest population minor allele frequency in gnomAD v2.1.1 is 0.000096 (1/10368 alleles) in the Ashkenazi Jewish population, which is lower than the ClinGen PAH VCEP’s threshold for PM2_Supporting (<0.0002), meeting this criterion (PM2_Supporting). There is a ClinVar entry for this variant (Variation ID: 102594, 1 star review status) with one submitter classifying the variant as likely pathogenic and 3 submitters classifying the variant as a variant of uncertain significance. In summary, this variant meets the criteria to be classified as likely pathogenic for PAH deficiency based on the ACMG/AMP criteria applied, as specified by the ClinGen PAH Variant Curation Expert Panel (Specifications Version 2.0): PM2_Supporting, PM3_Strong, PM4, PP4_Moderate.

Victorian Clinical Genetics Services, Murdoch Childrens Research Institute
Classification: Likely pathogenic for Phenylketonuria. Last evaluated: 2026-06-15. Review status: criteria provided, single submitter. Criteria: ACMG Guidelines, 2015. Collection method: clinical testing. Allele origin: germline. Affected: no. Not counted in ClinVar's aggregate classification.
Comment: This variant is classified as Likely pathogenic. Evidence in support of pathogenic classification: In-frame insertion/deletion in a non-repetitive region that has high conservation; Variant is present in gnomAD <0.01 for a recessive condition (v4: 139 heterozygote(s), 0 homozygote(s)); This variant has strong previous evidence of pathogenicity in unrelated individuals. This variant has been classified as likely pathogenic for phenylketonuria by the ClinGen PAH Variant Curation Expert panel (ClinVar). Additional information: This variant is heterozygous; This gene is associated with autosomal recessive disease; Variant is located in the annotated ACT domain (DECIPHER); Loss of function is a known mechanism of disease in this gene and is associated with phenylketonuria and hyperphenylalaninaemia, non-PKU mild (MIM#261600).

Women's Health and Genetics/Laboratory Corporation of America, LabCorp
Classification: Likely pathogenic for Phenylketonuria. Last evaluated: 2025-11-17. Review status: criteria provided, single submitter. Criteria: LabCorp Variant Classification Summary - May 2015. Collection method: clinical testing. Allele origin: germline. Not counted in ClinVar's aggregate classification.
Comment: Variant summary: PAH c.131_133delAAG (p.Glu44del) results in an in-frame deletion that is predicted to remove one amino acid from the ACT domain (IPR002912) of the encoded protein. The variant allele was found at a frequency of 3.2e-05 in 251414 control chromosomes (gnomAD). c.131_133delAAG has been reported in the literature in individuals affected with Phenylalanine Hydroxylase Deficiency (Phenylketonuria), including at least two confirmed compound heterozygous patients carrying pathogenic/likely pathogenic variants in trans (Tyfield_1997, Liu_2015, Liu_2017, Wang_218). These data indicate that the variant is likely to be associated with disease. To our knowledge, no experimental evidence demonstrating an impact on protein function has been reported. The following publications have been ascertained in the context of this evaluation (PMID: 28982351, 26600521, 9012412, 29499199). ClinVar contains an entry for this variant (Variation ID: 102594). Based on the evidence outlined above, the variant was classified as likely pathogenic.

Labcorp Genetics (formerly Invitae), Labcorp
Classification: Likely pathogenic for Phenylketonuria. Last evaluated: 2025-10-28. Review status: criteria provided, single submitter. Criteria: Invitae Variant Classification Sherloc (09022015). Collection method: clinical testing. Allele origin: germline. Not counted in ClinVar's aggregate classification.
Comment: This variant, c.131_133del, results in the deletion of 1 amino acid(s) of the PAH protein (p.Glu44del), but otherwise preserves the integrity of the reading frame. This variant is present in population databases (rs199475628, gnomAD 0.005%). This variant has been observed in individual(s) with clinical features of hyperphenylalaninemia (PMID: 9012412, 26600521, 28982351). In at least one individual the data is consistent with being in trans (on the opposite chromosome) from a pathogenic variant. Experimental studies and prediction algorithms are not available or were not evaluated, and the functional significance of this variant is currently unknown. In summary, the currently available evidence indicates that the variant is pathogenic, but additional data are needed to prove that conclusively. Therefore, this variant has been classified as Likely Pathogenic.

First Genomix Gene Laboratory, Genetic Diagnostics Department
Classification: Likely pathogenic for Phenylketonuria. Last evaluated: 2025-04-30. Review status: criteria provided, single submitter. Criteria: ACMG Guidelines, 2015. Collection method: clinical testing. Allele origin: germline. Inheritance: Autosomal recessive inheritance. Affected: no. Observed: 1 variant allele. Not counted in ClinVar's aggregate classification.

Revvity Omics, Revvity
Classification: Likely pathogenic for Phenylketonuria. Last evaluated: 2024-07-25. Review status: criteria provided, single submitter. Criteria: ACMG Guidelines, 2015. Collection method: clinical testing. Allele origin: germline. Not counted in ClinVar's aggregate classification.

Laboratory for Molecular Medicine, Mass General Brigham Personalized Medicine
Classification: Likely pathogenic for Phenylketonuria. Last evaluated: 2023-11-13. Review status: criteria provided, single submitter. Criteria: ACMG Guidelines, 2015. Collection method: clinical testing. Allele origin: germline. Inheritance: Autosomal recessive inheritance. Not counted in ClinVar's aggregate classification.
Comment: The p.Glu44del variant in PAH has been reported in the compound heterozygous state with another pathogenic variant in PAH in at least 2 individuals with phenylketonuria (PKU) who had elevated plasma phenylalanine and exclusion of a defect of BH4 cofactor metabolism (Liu 2015 PMID: 26600521, Liu 2017 PMID: 28982351). This variant was also identified in at least 2 other individuals with PAH but there was no additional information on whether there were any additional variants identified or whether they were in cis or trans (Tyfield 1997 PMID: 9012412, Wang 2018 PMID: 29499199). It has also been identified in 0.01% (8/68018) of European chromosomes by gnomAD (v.3.1.2), at a frequency that is low enough to be consistent with a recessive carrier frequency. This variant is a deletion of 1 amino acid at position 44 and is not predicted to alter the protein reading-frame. This variant was classified as Likely Pathogenic on Jul 23, 2023 by the ClinGen-approved PAH Variant Curation expert panel (Variation ID 102594). In summary, although additional studies are required to fully establish its clinical significance, this variant meets criteria to be classified as likely pathogenic for autosomal recessive PKU. ACMG/AMP Criteria applied: PM3_Strong, PM4_Supporting, PP4, PM2_Supporting.

Counsyl
Classification: Uncertain significance for Phenylketonuria. Last evaluated: 2017-03-21. Review status: no assertion criteria provided. Collection method: clinical testing. Allele origin: unknown. Not counted in ClinVar's aggregate classification.

DeBelle Laboratory for Biochemical Genetics, MUHC/MCH RESEARCH INSTITUTE
No classification provided. Review status: no classification provided. Collection method: not provided. Allele origin: not provided. Not counted in ClinVar's aggregate classification.

DeBelle Laboratory for Biochemical Genetics, MUHC/MCH RESEARCH INSTITUTE
No classification provided. Review status: flagged submission. Collection method: not provided. Allele origin: not provided. Not counted in ClinVar's aggregate classification.
ClinVar note: Reason: This record appears to be redundant with a more recent record from the same submitter.
ClinVar note: Notes: SCV000119417 appears to be redundant with SCV000119425.

Literature cited by the submitters: PubMed 9012412 (cited by 4 submitters); PubMed 26600521 (cited by 4 submitters); PubMed 28982351 (cited by 3 submitters); PubMed 29499199 (cited by Women's Health and Genetics/Laboratory Corporation of America, LabCorp and Laboratory for Molecular Medicine, Mass General Brigham Personalized Medicine).

NM_000277.3(PAH):c.125AAG[2] (p.Glu44del)

Gene: PAH (phenylalanine hydroxylase; minus strand). Cytogenetic location: 12q23.2.
Variant type: Microsatellite.
Coding change: c.125AAG[2] on transcript NM_000277.3 (MANE Select); two copies in a row of the 3-base unit AAG starting at c.125; the reference has three copies in a row; one copy, 3 bases deleted.
Protein change: p.Glu44del; deletes glutamic acid 44.
Molecular consequence: inframe deletion.
Genome position (GRCh38, 1-based): chr12:102,912,826-102,912,828, CTT deleted on the plus strand (AAG on the coding strand, the reverse complement: PAH is on the minus strand); deleting any 3 consecutive bases within chr12:102,912,826-102,912,834 gives the same sequence; the position shown is the placement nearest the transcript's 3' end. VCF-style (leftmost placement, unchanged base first): chr12-102912825-ACTT-A. GRCh37 (hg19) VCF-style: chr12-103306603-ACTT-A.
Other names: NM_000277.3(PAH):c.125AAG[2]; p.Glu44del; c.125AAG[2], p.Glu44del (NM_001354304.2); c.131_133delAAG (NM_000277.3); short protein forms E44del.
Identifiers: ClinVar variation 102594 (VCV000102594.18), dbSNP rs199475628, ClinGen allele CA229435.